The following is an entry in ClinVar:

ClinVar aggregate classification (germline): Uncertain significance (1 of 4 stars; one submission).

Conditions:
Fanconi anemia (FA). Also called: Fanconi's anemia. Identifiers: Orphanet 84, MedGen C0015625, MeSH D005199, MONDO:0019391.

Allele frequency attached by ClinVar (database versions not stated): gnomAD 0.00001; ExAC 0.00002; gnomAD exomes 0.00002; 1000 Genomes Project 30x 0.00031.
gnomAD v4.1: 12 of 1,614,212 alleles (0.00074%); highest among the groups gnomAD compares: South Asian, 0.012%; no homozygotes.

Submission:

Labcorp Genetics (formerly Invitae), Labcorp
Classification: Uncertain significance for Fanconi anemia. Last evaluated: 2022-01-26. Review status: criteria provided, single submitter. Criteria: Invitae Variant Classification Sherloc (09022015). Collection method: clinical testing. Allele origin: germline.
Comment: This sequence change replaces proline, which is neutral and non-polar, with alanine, which is neutral and non-polar, at codon 1042 of the FANCI protein (p.Pro1042Ala). This variant is present in population databases (rs752438879, gnomAD 0.01%). This variant has not been reported in the literature in individuals affected with FANCI-related conditions. Algorithms developed to predict the effect of missense changes on protein structure and function (SIFT, PolyPhen-2, Align-GVGD) all suggest that this variant is likely to be tolerated. In summary, the available evidence is currently insufficient to determine the role of this variant in disease. Therefore, it has been classified as a Variant of Uncertain Significance.

NM_001113378.2(FANCI):c.3124C>G (p.Pro1042Ala)

Gene: FANCI (FA complementation group I; plus strand). Cytogenetic location: 15q26.1.
Variant type: single nucleotide variant.
Coding change: c.3124C>G on transcript NM_001113378.2 (MANE Select); coding-DNA position 3124, C replaced by G.
Protein change: p.Pro1042Ala; replaces proline 1042 with alanine.
Molecular consequence: missense variant.
Genome position (GRCh38, 1-based): chr15:89,305,180, C>G. VCF-style: chr15-89305180-C-G. GRCh37 (hg19) VCF-style: chr15-89848411-C-G.
Other names: c.2845C>G, p.Pro949Ala (NM_001376910.1); c.3124C>G, p.Pro1042Ala (NM_001376911.1); c.2944C>G, p.Pro982Ala (NM_018193.3); short protein forms P1042A, P949A, P982A.
Identifiers: ClinVar variation 1410924 (VCV001410924.5), dbSNP rs752438879, ClinGen allele CA7723601.
Genomic context (GRCh38, chr15:89,305,180, plus strand): 5'-GCCTTGTTTTGCAAGAGCTTGATGAACTTGCTCTTCAGCCTGCATGTTTCGTATAAGAGT[C>G]CTGTCATTCTGCTGCGTGACTTGTCCCAGGATATCCACGGGCATCTGGGAGATATAGACC-3'
Protein context (NP_001106849.1, residues 1032-1052): LFSLHVSYKS[Pro1042Ala]VILLRDLSQD